The following is an entry in ClinVar:

NM_000092.5(COL4A4):c.1405G>T (p.Gly469Ter)

Gene: COL4A4 (collagen type IV alpha 4 chain; minus strand). Cytogenetic location: 2q36.3.
Variant type: single nucleotide variant.
Coding change: c.1405G>T on transcript NM_000092.5 (MANE Select); coding-DNA position 1405, G replaced by T.
Protein change: p.Gly469Ter; replaces glycine 469 with a stop codon.
Molecular consequence: nonsense.
Genome position (GRCh38, 1-based): chr2:227,089,922, C>A on the plus strand (G>T on the coding strand, the complement: COL4A4 is on the minus strand). VCF-style: chr2-227089922-C-A. GRCh37 (hg19) VCF-style: chr2-227954638-C-A.
Other names: short protein forms G469*.
Identifiers: ClinVar variation 553870 (VCV000553870.13), dbSNP rs926605269, ClinGen allele CA350850624.

ClinVar aggregate classification (germline): Pathogenic/Likely pathogenic. Review status: criteria provided, multiple submitters, no conflicts (2 of 4 stars). 6 submissions from 6 submitters: Pathogenic (2); Likely pathogenic (3). 1 of the submissions does not count toward it. Last evaluated 2026-04-07.

Conditions:
Alport syndrome. Also called: Hemorrhagic familial nephritis; Hemorrhagic hereditary nephritis; Congenital hereditary hematuria. Identifiers: Orphanet 63, MedGen C1567741, MONDO:0018965.
Autosomal dominant Alport syndrome (ATS3A). Also called: ALPORT SYNDROME 3A, AUTOSOMAL DOMINANT; Alport syndrome dominant type; Renal failure and sensorineural hearing loss. Identifiers: Orphanet 63, Orphanet 88918, MedGen C5882663, MONDO:0007086, OMIM 104200.
Autosomal recessive Alport syndrome (ATS2). Also called: COL4A3-Related Nephropathy; COL4A4 Alport Syndrome and Thin Basement Membrane Nephropathy; ALPORT SYNDROME 2, AUTOSOMAL RECESSIVE; Alport syndrome type 2. Identifiers: Orphanet 63, Orphanet 88919, MedGen C4746745, MONDO:0008762, OMIM 203780.

Allele frequency attached by ClinVar (database versions not stated): gnomAD 0.00001; TOPMed 0.00003.
gnomAD v4.1: 2 of 1,613,470 alleles (0.00012%); highest among the groups gnomAD compares: Non-Finnish European, 0.00017%; no homozygotes.

Submissions (6):

Dasa
Classification: Likely pathogenic. Last evaluated: 2026-04-07. Review status: criteria provided, single submitter. Criteria: DASA Assertion Criteria. Collection method: clinical testing. Allele origin: germline.
Comment: NM_000092.5(COL4A4):c.1405G>T (p.Gly469*) introduces a premature termination codon predicted to result in loss of normal protein function. Loss-of-function is an established mechanism of disease for this gene. This variant has been reported in individuals with related phenotype (PMID: 15954103). The variant is present at low frequency in population datasets. Based on the available data, this variant is classified as likely pathogenic.

Natera, Inc.
Classification: Likely pathogenic for Alport syndrome. Last evaluated: 2025-09-10. Review status: criteria provided, single submitter. Criteria: Natera Variant Classification Schema (03/2026). Collection method: clinical testing. Allele origin: germline.
Comment: The c.1405G>T variant in COL4A4 is a nonsense variant predicted to introduce a stop codon at amino acid 469. This variant is expected to result in nonsense mediated decay, truncation, or a dysfunctional protein product. This variant is rare in the general population with a frequency below the threshold expected for the associated phenotype(s). Given the available evidence, this variant is classified as Likely Pathogenic.

Variantyx, Inc.
Classification: Likely pathogenic for Autosomal recessive Alport syndrome. Last evaluated: 2025-08-06. Review status: criteria provided, single submitter. Criteria: Variantyx Assertion Criteria 2022. Collection method: clinical testing. Allele origin: germline. Inheritance: Autosomal recessive inheritance. Affected: yes.
Comment: This is a nonsense variant in the COL4A4 gene (OMIM: 120131). Pathogenic variants in this gene have been associated with autosomal recessive COL4A4-related Alport Spectrum. This variant introduces a premature termination codon in exon 21 out of 48 and is expected to result in loss of function, which is a known disease mechanism for COL4A4 in this disorder (PMID: 21196518) (PVS1). This alteration has a 0.0002% maximum allele frequency in non-founder control populations (PM2). Based on the current evidence, this variant is classified as likely pathogenic for autosomal recessive COL4A4-related Alport Spectrum. Heterozygous carriers of pathogenic variants typically present with isolated, benign hematuria and penetrance is incomplete (PMID: 36090501, 30450445, 29551517).

Molecular Genetics, Royal Melbourne Hospital
Classification: Pathogenic for Autosomal dominant Alport syndrome. Last evaluated: 2023-03-30. Review status: criteria provided, single submitter. Criteria: ACMG Guidelines, 2015. Collection method: clinical testing. Allele origin: germline. Affected: yes.
Comment: This sequence change in COL4A4 is a nonsense variant predicted to cause a premature stop codon (p.(Gly469*)) in biologically-relevant-exon 21/48 leading to nonsense mediated decay in a gene in which loss-of-function is an established disease mechanism (PMID: 20301386). This variant is present in a single European (non-Finnish) individual in gnomAD v2.1 (1/67,998 alleles). This variant has been reported in at least two probands with a phenotype consistent with autosomal dominant Alport syndrome (PMID: 15954103; Royal Melbourne Hospital). Based on the classification scheme RMH Modified ACMG Guidelines v1.4.0, this variant is classified as PATHOGENIC. Following criteria are met: PVS1, PS4_Supporting, PM2_Supporting.

Labcorp Genetics (formerly Invitae), Labcorp
Classification: Pathogenic. Last evaluated: 2022-05-09. Review status: criteria provided, single submitter. Criteria: Invitae Variant Classification Sherloc (09022015). Collection method: clinical testing. Allele origin: germline.
Comment: For these reasons, this variant has been classified as Pathogenic. Algorithms developed to predict the effect of sequence changes on RNA splicing suggest that this variant may disrupt the consensus splice site. ClinVar contains an entry for this variant (Variation ID: 553870). This premature translational stop signal has been observed in individual(s) with clinical features of Alport syndrome (PMID: 15954103). This variant is not present in population databases (gnomAD no frequency). This sequence change creates a premature translational stop signal (p.Gly469*) in the COL4A4 gene. It is expected to result in an absent or disrupted protein product. Loss-of-function variants in COL4A4 are known to be pathogenic (PMID: 21196518, 24854265, 25307543).

Counsyl
Classification: Likely pathogenic for Autosomal recessive Alport syndrome. Last evaluated: 2017-09-16. Review status: no assertion criteria provided. Collection method: clinical testing. Allele origin: unknown. Not counted in ClinVar's aggregate classification.

Literature cited by the submitters: PubMed 15954103 (cited by 4 submitters); PubMed 21196518 (cited by Variantyx, Inc. and Labcorp Genetics (formerly Invitae), Labcorp); PubMed 36090501 (cited by Variantyx, Inc.); PubMed 30450445 (cited by Variantyx, Inc.); PubMed 29551517 (cited by Variantyx, Inc.); PubMed 20301386 (cited by Molecular Genetics, Royal Melbourne Hospital); PubMed 24854265 (cited by Labcorp Genetics (formerly Invitae), Labcorp); PubMed 25307543 (cited by Labcorp Genetics (formerly Invitae), Labcorp); PubMed 25525159 (cited by Counsyl).